The following is an entry in ClinVar:

NM_003108.4(SOX11):c.1045A>G (p.Ser349Gly)

Gene: SOX11 (SRY-box transcription factor 11; plus strand). Cytogenetic location: 2p25.2.
Variant type: single nucleotide variant.
Coding change: c.1045A>G on transcript NM_003108.4 (MANE Select); coding-DNA position 1045, A replaced by G.
Protein change: p.Ser349Gly; replaces serine 349 with glycine.
Molecular consequence: missense variant.
Genome position (GRCh38, 1-based): chr2:5,693,766, A>G. VCF-style: chr2-5693766-A-G. GRCh37 (hg19) VCF-style: chr2-5833898-A-G.
Other names: short protein forms S349G.
Identifiers: ClinVar variation 3363128 (VCV003363128.1).

ClinVar aggregate classification (germline): Uncertain significance (1 of 4 stars; one submission).

Conditions:
Intellectual developmental disorder with microcephaly and with or without ocular malformations or hypogonadotropic hypogonadism. Also called: Intellectual disability, autosomal dominant 27; Coffin-Siris Syndrome 9. Identifiers: Orphanet 1465, MedGen C4014528, MONDO:0014376, OMIM 615866.

gnomAD v4.1: 7 of 1,580,778 alleles (0.00044%); highest among the groups gnomAD compares: Non-Finnish European, 0.0006%; no homozygotes.

Submission:

Genomic Medicine Center of Excellence, King Faisal Specialist Hospital and Research Centre
Classification: Uncertain significance for Intellectual developmental disorder with microcephaly and with or without ocular malformations or hypogonadotropic hypogonadism. Last evaluated: 2024-10-13. Review status: criteria provided, single submitter. Criteria: ACMG Guidelines, 2015. Collection method: clinical testing. Allele origin: germline.
Comment: This variant (GRCh38; NM_003108.4:c.1045A>G:p.Ser349Gly) results in a missense mutation with the conversion of Serine (polar amino acid) to Glycine (Polar amino acid) in the SOX11 protein. Not observed at significant frequency in large population cohorts (gnomAD). Multiple lines of computational evidence of this variant suggest no impact on gene or gene product. To our knowledge this variant not been previously curated or reported in public Database. A literature search was performed for the gene and associated variants. Based on this search no publications were found. Based on conflicting evidence or insufficient data to determine whether the variant is benign or pathogenic, the clinical significance of this alteration remains unclear. In summary, this variant meets our criteria for classification as of Unknown Clinical Significance based on the evidence outlined.